The following is an entry in ClinVar:

ClinVar aggregate classification (germline): Pathogenic (1 of 4 stars; one submission).

Conditions:
Ataxia-telangiectasia syndrome (AT). Also called: ATAXIA-TELANGIECTASIA, COMPLEMENTATION GROUP A; ATAXIA-TELANGIECTASIA, FRESNO VARIANT; Ataxia-telangiectasia, complementation group D; AT, COMPLEMENTATION GROUP C; Ataxia-telangiectasia; LOUIS-BAR SYNDROME. Identifiers: Orphanet 100, MedGen C0004135, MONDO:0008840, OMIM 208900.

Submission:

Labcorp Genetics (formerly Invitae), Labcorp
Classification: Pathogenic for Ataxia-telangiectasia syndrome. Last evaluated: 2022-08-22. Review status: criteria provided, single submitter. Criteria: Invitae Variant Classification Sherloc (09022015). Collection method: clinical testing. Allele origin: germline.
Comment: For these reasons, this variant has been classified as Pathogenic. This sequence change creates a premature translational stop signal (p.Cys12*) in the ATM gene. It is expected to result in an absent or disrupted protein product. Loss-of-function variants in ATM are known to be pathogenic (PMID: 23807571, 25614872). This variant is not present in population databases (gnomAD no frequency). This variant has not been reported in the literature in individuals affected with ATM-related conditions.

Literature cited by the submitters: PubMed 23807571; PubMed 25614872.

NM_000051.4(ATM):c.36C>A (p.Cys12Ter)

Gene: ATM (ATM serine/threonine kinase; plus strand). Cytogenetic location: 11q22.3.
Variant type: single nucleotide variant.
Coding change: c.36C>A on transcript NM_000051.4 (MANE Select); coding-DNA position 36, C replaced by A.
Protein change: p.Cys12Ter; replaces cysteine 12 with a stop codon.
Molecular consequence: nonsense.
Genome position (GRCh38, 1-based): chr11:108,227,660, C>A. VCF-style: chr11-108227660-C-A. GRCh37 (hg19) VCF-style: chr11-108098387-C-A.
Other names: c.36C>A, p.Cys12Ter (NM_001351834.2, NM_001351835.2, NM_001351836.2); short protein forms C12*.
Identifiers: ClinVar variation 1954708 (VCV001954708.5), dbSNP rs2135005147, ClinGen allele CA382519094.
Genomic context (GRCh38, chr11:108,227,660, plus strand): 5'-GATGTGTGTTCTGAAATTGTGAACCATGAGTCTAGTACTTAATGATCTGCTTATCTGCTG[C>A]CGTCAACTAGAACATGATAGAGCTACAGAACGAAAGGTAGTAAATTACTTAAATTCAATT-3'